The following is an entry in ClinVar:

ClinVar aggregate classification (germline): Uncertain significance (1 of 4 stars; one submission).

Conditions:
Inborn genetic diseases. Identifiers: MedGen C0950123, MeSH D030342.

gnomAD v4.1: 1 of 1,584,694 alleles (0.000063%); highest among the groups gnomAD compares: Non-Finnish European, 0.000087%; no homozygotes.

Submission:

Ambry Genetics
Classification: Uncertain significance for Inborn genetic diseases. Last evaluated: 2022-09-02. Review status: criteria provided, single submitter. Criteria: Ambry Variant Classification Scheme 2023. Collection method: clinical testing. Allele origin: germline.
Comment: The c.716-6T>C intronic alteration consists of a T to C substitution 6 nucleotides before coding exon 7 in the ENPP1 gene. Based on insufficient or conflicting evidence, the clinical significance of this alteration remains unclear.

NM_006208.3(ENPP1):c.716-6T>C

Gene: ENPP1 (ectonucleotide pyrophosphatase/phosphodiesterase 1; plus strand). Cytogenetic location: 6q23.2.
Variant type: single nucleotide variant.
Coding change: c.716-6T>C on transcript NM_006208.3 (MANE Select); 6 bases into the intron before coding-DNA position 716, T replaced by C.
Molecular consequence: intron variant.
Genome position (GRCh38, 1-based): chr6:131,858,662, T>C. VCF-style: chr6-131858662-T-C. GRCh37 (hg19) VCF-style: chr6-132179802-T-C.
Identifiers: ClinVar variation 2298956 (VCV002298956.2), dbSNP rs368179464, ClinGen allele CA452155187.